The following is an entry in ClinVar:

NM_000038.6(APC):c.4702G>C (p.Asp1568His)

Gene: APC (APC regulator of Wnt signaling pathway; plus strand). Cytogenetic location: 5q22.2.
Variant type: single nucleotide variant.
Coding change: c.4702G>C on transcript NM_000038.6 (MANE Select); coding-DNA position 4702, G replaced by C.
Protein change: p.Asp1568His; replaces aspartic acid 1568 with histidine.
Molecular consequence: missense variant.
Genome position (GRCh38, 1-based): chr5:112,840,296, G>C. VCF-style: chr5-112840296-G-C. GRCh37 (hg19) VCF-style: chr5-112175993-G-C.
Other names: c.4702G>C, p.Asp1568His (NM_001127510.3, NM_001354895.2); c.4648G>C, p.Asp1550His (NM_001127511.3); c.4756G>C, p.Asp1586His (NM_001354896.2); c.4732G>C, p.Asp1578His (NM_001354897.2); c.4627G>C, p.Asp1543His (NM_001354898.2); c.4618G>C, p.Asp1540His (NM_001354899.2); c.4579G>C, p.Asp1527His (NM_001354900.2); c.4525G>C, p.Asp1509His (NM_001354901.2); and 5 more; short protein forms D1550H, D1568H, D1408H, D1285H, D1477H, D1442H, D1509H, D1527H.
Identifiers: ClinVar variation 469976 (VCV000469976.12), dbSNP rs1554086115, ClinGen allele CA16031641.

ClinVar aggregate classification (germline): Uncertain significance. Review status: criteria provided, multiple submitters, no conflicts (2 of 4 stars). 3 submissions from 3 submitters: Uncertain significance (3). Last evaluated 2024-05-14.

Conditions:
APC-related disorder. Also called: APC-related condition.
Familial adenomatous polyposis 1 (FAP1). Also called: POLYPOSIS, ADENOMATOUS INTESTINAL; FAMILIAL ADENOMATOUS POLYPOSIS 1, ATTENUATED. Identifiers: MedGen C2713442, MONDO:0021056, OMIM 175100. Disease mechanism: loss of function.
Classic or attenuated familial adenomatous polyposis. Identifiers: MedGen CN372698, MONDO:0021057.

Submissions (3):

All of Us Research Program, National Institutes of Health
Classification: Uncertain significance for Classic or attenuated familial adenomatous polyposis. Last evaluated: 2024-05-14. Review status: criteria provided, single submitter. Criteria: ACMG Guidelines, 2015. Collection method: clinical testing. Allele origin: germline. Inheritance: Autosomal dominant inheritance. Observed: 1 variant allele, 1 heterozygote.
Comment: This missense variant replaces aspartic acid with histidine at codon 1568 of the APC protein. Computational prediction is inconclusive regarding the impact of this variant on protein structure and function (internally defined REVEL score threshold 0.5 < inconclusive < 0.7, PMID: 27666373). To our knowledge, functional studies have not been reported for this variant. This variant has not been reported in individuals affected with APC-related disorders in the literature. This variant has not been identified in the general population by the Genome Aggregation Database (gnomAD). The available evidence is insufficient to determine the role of this variant in disease conclusively. Therefore, this variant is classified as a Variant of Uncertain Significance.

This study involves interpretation of variants in research participants for the purpose of population health screening. Participant phenotype was not available at the time of variant classification. Additional details can be found in publication PMID: 35346344, PMCID: PMC8962531

PreventionGenetics, part of Exact Sciences
Classification: Uncertain significance for APC-related condition. Last evaluated: 2022-10-04. Review status: criteria provided, single submitter. Criteria: ACMG Guidelines, 2015. Collection method: clinical testing. Allele origin: germline.
Comment: The APC c.4702G>C variant is predicted to result in the amino acid substitution p.Asp1568His. To our knowledge, this variant has not been reported in the literature or in a large population database, indicating this variant is rare. This variant has been documented as uncertain in ClinVar. At this time, the clinical significance of this variant is uncertain due to the absence of conclusive functional and genetic evidence.

Labcorp Genetics (formerly Invitae), Labcorp
Classification: Uncertain significance for Familial adenomatous polyposis 1. Last evaluated: 2017-01-15. Review status: criteria provided, single submitter. Criteria: Invitae Variant Classification Sherloc (09022015). Collection method: clinical testing. Allele origin: germline.
Comment: Algorithms developed to predict the effect of missense changes on protein structure and function do not agree on the potential impact of this missense change (SIFT: "Deleterious"; PolyPhen-2: "Probably Damaging"; Align-GVGD: "Class C0"). In summary, this variant is a novel missense change with uncertain impact on protein function. It has been classified as a Variant of Uncertain Significance. This variant is not present in population databases (ExAC no frequency) and has not been reported in the literature in individuals with a APC-related disease. This sequence change replaces aspartic acid with histidine at codon 1568 of the APC protein (p.Asp1568His). The aspartic acid residue is highly conserved and there is a moderate physicochemical difference between aspartic acid and histidine.